The following is an entry in ClinVar:

ClinVar aggregate classification (germline): Uncertain significance. Review status: criteria provided, multiple submitters, no conflicts (2 of 4 stars). 2 submissions from 2 submitters: Uncertain significance (2). Last evaluated 2026-04-02.

Conditions:
Hereditary cancer-predisposing syndrome. Also called: Neoplastic Syndromes, Hereditary; Tumor predisposition; Hereditary Cancer Syndrome; Hereditary neoplastic syndrome. Identifiers: Orphanet 140162, MedGen C0027672, MeSH D009386, MONDO:0015356.
EGFR-related lung cancer (EGFR). Identifiers: MedGen CN130014.

Allele frequency attached by ClinVar (database versions not stated): TOPMed below 0.00001.
gnomAD v4.1: 3 of 1,613,426 alleles (0.00019%); highest among the groups gnomAD compares: Admixed American, 0.005%; no homozygotes.

Submissions (2):

Ambry Genetics
Classification: Uncertain significance for Hereditary cancer-predisposing syndrome. Last evaluated: 2026-04-02. Review status: criteria provided, single submitter. Criteria: Ambry Variant Classification Scheme 2023. Collection method: clinical testing. Allele origin: germline.
Comment: The p.R670S variant (also known as c.2010G>T), located in coding exon 17 of the EGFR gene, results from a G to T substitution at nucleotide position 2010. The arginine at codon 670 is replaced by serine, an amino acid with dissimilar properties. This amino acid position is conserved. In addition, the in silico prediction for this alteration is inconclusive. Based on the available evidence, the clinical significance of this variant remains unclear.

Labcorp Genetics (formerly Invitae), Labcorp
Classification: Uncertain significance for EGFR-related lung cancer. Last evaluated: 2022-07-19. Review status: criteria provided, single submitter. Criteria: Invitae Variant Classification Sherloc (09022015). Collection method: clinical testing. Allele origin: germline.
Comment: This variant has not been reported in the literature in individuals affected with EGFR-related conditions. In summary, the available evidence is currently insufficient to determine the role of this variant in disease. Therefore, it has been classified as a Variant of Uncertain Significance. Algorithms developed to predict the effect of missense changes on protein structure and function are either unavailable or do not agree on the potential impact of this missense change (SIFT: "Tolerated"; PolyPhen-2: "Probably Damaging"; Align-GVGD: "Class C0"). This variant is present in population databases (rs776875545, gnomAD 0.009%). This sequence change replaces arginine, which is basic and polar, with serine, which is neutral and polar, at codon 670 of the EGFR protein (p.Arg670Ser).

NM_005228.5(EGFR):c.2010G>T (p.Arg670Ser)

Gene: EGFR (epidermal growth factor receptor; plus strand). Cytogenetic location: 7p11.2.
Variant type: single nucleotide variant.
Coding change: c.2010G>T on transcript NM_005228.5 (MANE Select); coding-DNA position 2010, G replaced by T.
Protein change: p.Arg670Ser; replaces arginine 670 with serine.
Molecular consequence: missense variant.
Genome position (GRCh38, 1-based): chr7:55,173,073, G>T. VCF-style: chr7-55173073-G-T. GRCh37 (hg19) VCF-style: chr7-55240766-G-T.
Other names: c.1875G>T, p.Arg625Ser (NM_001346897.2, NM_001346899.2); c.2010G>T, p.Arg670Ser (NM_001346898.2); c.1851G>T, p.Arg617Ser (NM_001346900.2); c.1209G>T, p.Arg403Ser (NM_001346941.2); short protein forms R625S, R617S, R670S, R403S.
Identifiers: ClinVar variation 1980363 (VCV001980363.5), dbSNP rs776875545, ClinGen allele CA4265936.